The following is an entry in ClinVar:

NM_001365536.1(SCN9A):c.3832C>G (p.Leu1278Val)

Genes: SCN1A-AS1 (SCN1A and SCN9A antisense RNA 1; plus strand), SCN9A (sodium voltage-gated channel alpha subunit 9; minus strand). Cytogenetic location: 2q24.3.
Variant type: single nucleotide variant.
Coding change: c.3832C>G on transcript NM_001365536.1 (MANE Select); coding-DNA position 3832, C replaced by G.
Protein change: p.Leu1278Val; replaces leucine 1278 with valine.
Molecular consequence: missense variant.
Genome position (GRCh38, 1-based): chr2:166,233,432, G>C on the plus strand (C>G on the coding strand, the complement: SCN9A is on the minus strand). VCF-style: chr2-166233432-G-C. GRCh37 (hg19) VCF-style: chr2-167089942-G-C.
Other names: p.Leu1267Val; c.3799C>G, p.Leu1267Val (NM_002977.4); short protein forms L1267V, L1278V.
Identifiers: ClinVar variation 195592 (VCV000195592.77), dbSNP rs180922748, ClinGen allele CA201841.

ClinVar aggregate classification (germline): Conflicting classifications of pathogenicity. Review status: criteria provided, conflicting classifications (1 of 4 stars). 19 submissions from 17 submitters: Uncertain significance (2); Likely benign (13). 4 of the submissions do not count toward it. Last evaluated 2026-06-01.

Conditions:
Self-limited epilepsy with centrotemporal spikes. Also called: Rolandic epilepsy; Childhood epilepsy with centrotemporal spikes. Identifiers: Orphanet 1945, MedGen C0376532, MONDO:0007295.
SCN9A-related disorder. Also called: SCN9A-related condition; SCN9A-related disorders.
Generalized epilepsy with febrile seizures plus, type 7 (GEFSP7). Also called: GEFS+, TYPE 7. Identifiers: Orphanet 36387, MedGen C2751778, MONDO:0013470, OMIM 613863.
Neuropathy, hereditary sensory and autonomic, type 2A (HSAN2A). Also called: ACROOSTEOLYSIS, GIACCAI TYPE; ACROOSTEOLYSIS, NEUROGENIC; MORVAN DISEASE; NEUROPATHY, CONGENITAL SENSORY; NEUROPATHY, HEREDITARY SENSORY RADICULAR, AUTOSOMAL RECESSIVE; NEUROPATHY, HEREDITARY SENSORY, TYPE IIA. Identifiers: Orphanet 970, MedGen C2752089, MONDO:0024309, OMIM 201300.
Inborn genetic diseases. Identifiers: MedGen C0950123, MeSH D030342.
Channelopathy-associated congenital insensitivity to pain, autosomal recessive. Also called: Insensitivity to pain, channelopathy-associated; ASYMBOLIA FOR PAIN; CONGENITAL ANALGESIA, AUTOSOMAL RECESSIVE. Identifiers: Orphanet 88642, Orphanet 970, MedGen C1855739, MONDO:0009459, OMIM 243000.
Primary erythromelalgia. Also called: primary erythermalgia; SCN9A Erythromelalgia (SCN9A-EM). Identifiers: Orphanet 306577, Orphanet 90026, MedGen C0014805, MONDO:0007571, OMIM 133020.
Paroxysmal extreme pain disorder (PEXPD). Also called: PAIN, SUBMANDIBULAR, OCULAR, AND RECTAL, WITH FLUSHING; RECTAL PAIN, FAMILIAL; SCN9A Paroxysmal Extreme Pain Disorder (SCN9A-PEPD). Identifiers: Orphanet 46348, MedGen C1833661, MONDO:0008179, OMIM 167400.

Allele frequency attached by ClinVar (database versions not stated): 1000 Genomes Project 30x 0.00109; 1000 Genomes Project 0.00120; gnomAD exomes 0.00122 and 0.00214; ExAC 0.00141; gnomAD 0.00173 and 0.00174; ESP Exome Variant Server 0.00174; TOPMed 0.00184.
gnomAD v4.1: 3,312 of 1,576,608 alleles (0.21%); highest among the groups gnomAD compares: Non-Finnish European, 0.26%; 9 homozygotes.

Submissions (19):

CeGaT Center for Human Genetics Tuebingen
Classification: Likely benign. Last evaluated: 2026-06-01. Review status: criteria provided, single submitter. Criteria: CeGaT Center For Human Genetics Tuebingen Variant Classification Criteria Version 2. Collection method: clinical testing. Allele origin: germline. Affected: yes. Observed: 12 variant alleles.
Comment: SCN9A: BS2

PreventionGenetics, part of Exact Sciences
Classification: Likely benign for SCN9A-related condition. Last evaluated: 2026-03-03. Review status: criteria provided, single submitter. Criteria: ACMG Guidelines, 2015. Collection method: clinical testing. Allele origin: germline.
Comment: This variant is classified as likely benign based on ACMG/AMP sequence variant interpretation guidelines (Richards et al. 2015 PMID: 25741868, with internal and published modifications).

Labcorp Genetics (formerly Invitae), Labcorp
Classification: Likely benign for Neuropathy, hereditary sensory and autonomic, type 2A; Generalized epilepsy with febrile seizures plus, type 7. Last evaluated: 2026-01-31. Review status: criteria provided, single submitter. Criteria: Invitae Variant Classification Sherloc (09022015). Collection method: clinical testing. Allele origin: germline.

Mayo Clinic Laboratories, Mayo Clinic
Classification: Likely benign. Last evaluated: 2025-05-05. Review status: criteria provided, single submitter. Criteria: ACMG Guidelines, 2015. Collection method: clinical testing. Allele origin: germline. Observed: 13 variant alleles.
Comment: BS1

Blueprint Genetics
Classification: Likely benign. Last evaluated: 2024-11-23. Review status: criteria provided, single submitter. Criteria: ACMG Guidelines, 2015. Collection method: clinical testing. Allele origin: germline.

Athena Diagnostics
Classification: Uncertain significance. Last evaluated: 2024-06-18. Review status: criteria provided, single submitter. Criteria: Athena Diagnostics Criteria. Collection method: clinical testing. Allele origin: unknown.

Women's Health and Genetics/Laboratory Corporation of America, LabCorp
Classification: Likely benign. Last evaluated: 2023-01-31. Review status: criteria provided, single submitter. Criteria: LabCorp Variant Classification Summary - May 2015. Collection method: clinical testing. Allele origin: germline.
Comment: Variant summary: SCN9A c.3799C>G (p.Leu1267Val) results in a conservative amino acid change located in the Ion transport domain (IPR005821) of the encoded protein sequence. Four of five in-silico tools predict a damaging effect of the variant on protein function. The variant allele was found at a frequency of 0.0012 in 214484 control chromosomes. This frequency does not allow conclusions about variant significance. Although appearing in the literature, to our knowledge, no penetrant association of c.3799C>G in individuals affected with SCN9A-related disorders such as Primary Erythermalgia/Hereditary Sensory Neuropathy type IID/Congenital insensitivity to pain and no conclusive experimental evidence demonstrating its impact on protein function have been reported. At-least one co-occurrence with another known variant in the GABRG2 gene in an individual reportedly affected with Dravet syndrome has been ascertained, providing supporting evidence for a benign role (Mulley_SCN9A_Epilepsia_2013). Ten clinical diagnostic laboratories have submitted clinical-significance assessments for this variant to ClinVar after 2014 with a majority consensus as likely benign (n=7). Based on the evidence outlined above, the variant was classified as likely benign.

Ambry Genetics
Classification: Likely benign for Inborn genetic diseases. Last evaluated: 2022-11-14. Review status: criteria provided, single submitter. Criteria: Ambry Variant Classification Scheme 2023. Collection method: clinical testing. Allele origin: germline.

ARUP Laboratories, Molecular Genetics and Genomics, ARUP Laboratories
Classification: Uncertain significance. Last evaluated: 2022-02-28. Review status: criteria provided, single submitter. Criteria: ARUP Molecular Germline Variant Investigation Process 2021. Collection method: clinical testing. Allele origin: germline.
Comment: The SCN9A c.3799C>G; p.Leu1267Val variant (rs180922748) is reported in the literature in two patients with Dravet syndrome (Mulley 2013, Singh 2009). However, both individuals also carried a clearly pathogenic variant in a different gene associated with Dravet or similar seizure disorder. This variant was also reported in a case with diabetic peripheral neuropathy; however, the patient carried an additional variant in SCN11A (Blesneac 2018). This variant is reported in ClinVar (Variation ID: 195592) and is found in the non-Finnish European population with an allele frequency of 0.22% (261/117658 alleles) in the Genome Aggregation Database. The leucine at codon 1267 is highly conserved, and computational analyses predict that this variant is deleterious (REVEL: 0.766). However, given the lack of clinical and functional data, the significance of the p.Leu1267Val variant is uncertain at this time. References: Blesneac I et al. Rare NaV1.7 variants associated with painful diabetic peripheral neuropathy. Pain. 2018 Mar;159(3):469-480. PMID: 29176367. Mulley et al. Role of the sodium channel SCN9A in genetic epilepsy with febrile seizures plus and Dravet syndrome. Epilepsia. 2013; 54(9): e122-6. PMID: 23895530. Singh et al. A role of SCN9A in human epilepsies, as a cause of febrile seizures and as a potential modifier of Dravet syndrome. PLoS Genet. 2009; 5(9): e1000649. PMID: 19763161.

GeneDx
Classification: Likely benign. Last evaluated: 2021-04-21. Review status: criteria provided, single submitter. Criteria: GeneDx Variant Classification Process June 2021. Collection method: clinical testing. Allele origin: germline. Affected: yes.
Comment: This variant is associated with the following publications: (PMID: 28440294, 23895530, 24776970, 24848745, 19763161, 25250524, 26284228, 29176367)

Center for Pediatric Genomic Medicine, Children's Mercy Hospital and Clinics
Classification: Likely benign. Last evaluated: 2017-07-25. Review status: criteria provided, single submitter. Criteria: ACMG Guidelines, 2015. Collection method: clinical testing. Allele origin: germline.

Illumina Laboratory Services, Illumina
Classification: Likely benign for Primary erythromelalgia. Last evaluated: 2017-04-27. Review status: criteria provided, single submitter. Criteria: ICSL Variant Classification Criteria 13 December 2019. Collection method: clinical testing. Allele origin: germline.
Comment: This variant was observed as part of a predisposition screen in an ostensibly healthy population. A literature search was performed for the gene, cDNA change, and amino acid change (where applicable). Publications were found based on this search. The evidence from the literature, in combination with allele frequency data from public databases where available, was sufficient to determine this variant is unlikely to cause disease. Therefore, this variant is classified as likely benign.

Illumina Laboratory Services, Illumina
Classification: Likely benign for Paroxysmal extreme pain disorder. Last evaluated: 2017-04-27. Review status: criteria provided, single submitter. Criteria: ICSL Variant Classification Criteria 13 December 2019. Collection method: clinical testing. Allele origin: germline.
Comment: This variant was observed as part of a predisposition screen in an ostensibly healthy population. A literature search was performed for the gene, cDNA change, and amino acid change (where applicable). No publications were found based on this search. Allele frequency data from public databases allowed determination this variant is unlikely to cause disease. Therefore, this variant is classified as likely benign.

Illumina Laboratory Services, Illumina
Classification: Likely benign for Channelopathy-associated congenital insensitivity to pain, autosomal recessive. Last evaluated: 2017-04-27. Review status: criteria provided, single submitter. Criteria: ICSL Variant Classification Criteria 13 December 2019. Collection method: clinical testing. Allele origin: germline.
Comment: the same text as in the submission from Illumina Laboratory Services, Illumina above.

Eurofins Ntd Llc (ga)
Classification: Likely benign. Last evaluated: 2015-04-24. Review status: criteria provided, single submitter. Criteria: EGL Classification Definitions 2015. Collection method: clinical testing. Allele origin: germline. Observed: 3 variant alleles, 3 heterozygotes.

Bioinformatics Core, Luxembourg Center for Systems Biomedicine
Classification: Pathogenic for Self-limited epilepsy with centrotemporal spikes. Last evaluated: 2017-01-01. Review status: no assertion criteria provided. Collection method: case-control. Allele origin: germline. Affected: yes. Study: EUROEPINOMICS COGIE. Not counted in ClinVar's aggregate classification.

Clinical Genetics, Academic Medical Center
Classification: Uncertain significance. Review status: no assertion criteria provided. Collection method: clinical testing. Allele origin: germline. Affected: yes. Study: VKGL Data-share Consensus. Not counted in ClinVar's aggregate classification.

Diagnostic Laboratory, Department of Genetics, University Medical Center Groningen
Classification: Uncertain significance. Review status: no assertion criteria provided. Collection method: clinical testing. Allele origin: germline. Affected: yes. Study: VKGL Data-share Consensus. Not counted in ClinVar's aggregate classification.

Genome Diagnostics Laboratory, University Medical Center Utrecht
Classification: Uncertain significance. Review status: no assertion criteria provided. Collection method: clinical testing. Allele origin: germline. Affected: yes. Study: VKGL Data-share Consensus. Not counted in ClinVar's aggregate classification.

Literature cited by the submitters: PubMed 32011655 (cited by Mayo Clinic Laboratories, Mayo Clinic and Athena Diagnostics); PubMed 37175987 (cited by Mayo Clinic Laboratories, Mayo Clinic and Athena Diagnostics); PubMed 24776970 (cited by 3 submitters); PubMed 26284228 (cited by Athena Diagnostics); PubMed 24848745 (cited by Athena Diagnostics and Eurofins Ntd Llc (ga)); PubMed 31847883 (cited by Athena Diagnostics); PubMed 29358611 (cited by Athena Diagnostics and Bioinformatics Core, Luxembourg Center for Systems Biomedicine); PubMed 30554136 (cited by Athena Diagnostics); PubMed 28235406 (cited by Athena Diagnostics); PubMed 19763161 (cited by Athena Diagnostics); PubMed 23895530 (cited by Athena Diagnostics and Women's Health and Genetics/Laboratory Corporation of America, LabCorp); PubMed 28440294 (cited by Athena Diagnostics); PubMed 29176367 (cited by Athena Diagnostics); PubMed 25250524 (cited by Athena Diagnostics and Illumina Laboratory Services, Illumina).